The following is an entry in ClinVar:

NM_000551.4(VHL):c.333C>G (p.Ser111Arg)

Gene: VHL (von Hippel-Lindau tumor suppressor; plus strand). Cytogenetic location: 3p25.3.
Variant type: single nucleotide variant.
Coding change: c.333C>G on transcript NM_000551.4 (MANE Select); coding-DNA position 333, C replaced by G.
Protein change: p.Ser111Arg; replaces serine 111 with arginine.
Molecular consequence: missense variant.
Genome position (GRCh38, 1-based): chr3:10,142,180, C>G. VCF-style: chr3-10142180-C-G. GRCh37 (hg19) VCF-style: chr3-10183864-C-G.
Other names: c.333C>G, p.Ser111Arg (NM_001354723.2, NM_198156.3); short protein forms S111R.
Identifiers: ClinVar variation 223187 (VCV000223187.16), dbSNP rs765978945, ClinGen allele CA040305.

ClinVar aggregate classification (germline): Pathogenic. Review status: criteria provided, multiple submitters, no conflicts (2 of 4 stars). 3 submissions from 3 submitters: Pathogenic (2). 1 of the submissions does not count toward it. Last evaluated 2023-10-09.

Conditions:
Von Hippel-Lindau syndrome (VHLS). Also called: Von Hippel-Lindau; von Hippel–Lindau syndrome; VHL syndrome. Identifiers: Orphanet 892, MedGen C0019562, MONDO:0008667, OMIM 193300. Disease mechanism: loss of function.
Chuvash polycythemia. Also called: POLYCYTHEMIA, VHL-DEPENDENT. Identifiers: Orphanet 238557, MedGen C1837915, MONDO:0009892, OMIM 263400.
Hereditary cancer-predisposing syndrome. Also called: Tumor predisposition; Hereditary neoplastic syndrome; Neoplastic Syndromes, Hereditary; Hereditary Cancer Syndrome. Identifiers: Orphanet 140162, MedGen C0027672, MeSH D009386, MONDO:0015356.

Allele frequency attached by ClinVar (database versions not stated): gnomAD exomes below 0.00001; ExAC 0.00001.

Submissions (3):

Labcorp Genetics (formerly Invitae), Labcorp
Classification: Pathogenic for Von Hippel-Lindau syndrome; Chuvash polycythemia. Last evaluated: 2023-10-09. Review status: criteria provided, single submitter. Criteria: Invitae Variant Classification Sherloc (09022015). Collection method: clinical testing. Allele origin: germline.
Comment: This sequence change replaces serine, which is neutral and polar, with arginine, which is basic and polar, at codon 111 of the VHL protein (p.Ser111Arg). This variant is not present in population databases (gnomAD no frequency). This missense change has been observed in individuals with von Hippel-Lindau syndrome (PMID: 7728151, 12114495, 16868829, 25562111; Invitae). This variant is also known as 546C>A. ClinVar contains an entry for this variant (Variation ID: 223187). Advanced modeling of protein sequence and biophysical properties (such as structural, functional, and spatial information, amino acid conservation, physicochemical variation, residue mobility, and thermodynamic stability) performed at Invitae indicates that this missense variant is expected to disrupt VHL protein function. Experimental studies have shown that this missense change affects VHL function (PMID: 22071692). Algorithms developed to predict the effect of sequence changes on RNA splicing suggest that this variant may create or strengthen a splice site. For these reasons, this variant has been classified as Pathogenic.

Ambry Genetics
Classification: Pathogenic for Hereditary cancer-predisposing syndrome. Last evaluated: 2023-08-31. Review status: criteria provided, single submitter. Criteria: Ambry Variant Classification Scheme 2023. Collection method: clinical testing. Allele origin: germline.
Comment: The p.S111R pathogenic mutation (also known as c.333C>G), located in coding exon 1 of the VHL gene, results from a C to G substitution at nucleotide position 333. The serine at codon 111 is replaced by arginine, an amino acid with dissimilar properties. This variant has been reported in multiple individuals who meet established diagnostic criteria for Von Hippel-Lindau (VHL) syndrome (Chen F et al. Hum. Mutat. 1995 ; 5(1):66-75; Cybulski C et al. J. Med. Genet. 2002 Jul; 39(7):E38; Ambry internal data). Functional analysis indicates the serine at codon 111 is a critical phosphorylation residue, and is involved in regulation of cell cycle progression after DNA damage (Roe JS et al. Cell Cycle, 2011 Nov;10:3920-8). Based on internal structural assessment, this alteration targets a critical HIF-1 binding residue and impairs binding of the hydroxylated HIF-1&alpha; peptide (Hon WC et al. Nature, 2002 Jun;417:975-8; Min JH et al. Science, 2002 Jun;296:1886-9). Based on the supporting evidence, this alteration is interpreted as a disease-causing mutation.

Genomic Diagnostic Laboratory, Division of Genomic Diagnostics, Children's Hospital of Philadelphia
Classification: Likely pathogenic for Von Hippel-Lindau syndrome. Last evaluated: 2016-02-26. Review status: no assertion criteria provided. Collection method: clinical testing. Allele origin: germline. Affected: yes. Observed: 1 variant allele. Not counted in ClinVar's aggregate classification.

Literature cited by the submitters: PubMed 7728151 (cited by Labcorp Genetics (formerly Invitae), Labcorp and Ambry Genetics); PubMed 12114495 (cited by Labcorp Genetics (formerly Invitae), Labcorp and Ambry Genetics); PubMed 16868829 (cited by Labcorp Genetics (formerly Invitae), Labcorp); PubMed 25562111 (cited by Labcorp Genetics (formerly Invitae), Labcorp); PubMed 22071692 (cited by Labcorp Genetics (formerly Invitae), Labcorp and Ambry Genetics); PubMed 12004076 (cited by Ambry Genetics); PubMed 12050673 (cited by Ambry Genetics); PubMed 23102223 (cited by Ambry Genetics); PubMed 24727139 (cited by Ambry Genetics).